The following is an entry in ClinVar:

ClinVar aggregate classification (germline): Uncertain significance (1 of 4 stars; one submission).

Conditions:
Inborn genetic diseases. Identifiers: MedGen C0950123, MeSH D030342.

gnomAD v4.1: 1 of 1,613,362 alleles (0.000062%); highest among the groups gnomAD compares: Non-Finnish European, 0.000085%; no homozygotes.

Submission:

Ambry Genetics
Classification: Uncertain significance for Inborn genetic diseases. Last evaluated: 2025-09-21. Review status: criteria provided, single submitter. Criteria: Ambry Variant Classification Scheme 2023. Collection method: clinical testing. Allele origin: germline.
Comment: The p.D85Y variant (also known as c.253G>T), located in coding exon 2 of the ERCC6L2 gene, results from a G to T substitution at nucleotide position 253. The aspartic acid at codon 85 is replaced by tyrosine, an amino acid with highly dissimilar properties. This amino acid position is conserved. In addition, this alteration is predicted to be deleterious by in silico analysis. Based on the available evidence, the clinical significance of this variant remains unclear.

NM_020207.7(ERCC6L2):c.253G>T (p.Asp85Tyr)

Gene: ERCC6L2 (ERCC excision repair 6 like 2; plus strand). Cytogenetic location: 9q22.32.
Variant type: single nucleotide variant.
Coding change: c.253G>T on transcript NM_020207.7 (MANE Select); coding-DNA position 253, G replaced by T.
Protein change: p.Asp85Tyr; replaces aspartic acid 85 with tyrosine.
Molecular consequence: missense variant. On other transcripts: non-coding transcript variant (1).
Genome position (GRCh38, 1-based): chr9:95,881,075, G>T. VCF-style: chr9-95881075-G-T. GRCh37 (hg19) VCF-style: chr9-98643357-G-T.
Other names: c.253G>T, p.Asp85Tyr (NM_001375291.1, NM_001375292.1, NM_001375293.1 and 2 more transcripts); short protein forms D85Y.
Identifiers: ClinVar variation 4618706 (VCV004618706.1).
Genomic context (GRCh38, chr9:95,881,075, plus strand): 5'-CCTCTTAAACAGCTTCAAGAAGTGAAATTTGTTAAAGATTGCCCTAGGAATCTTATATTT[G>T]ATGATGAAGATTTAGAAAAACCTTATTTCCCAAACCGAAAATTTCCATCATCTTCTGTTG-3'
Protein context (NP_064592.3, residues 75-95): VKDCPRNLIF[Asp85Tyr]DEDLEKPYFP